The following is an entry in ClinVar:

NM_012123.4(MTO1):c.515G>A (p.Arg172His)

Gene: MTO1 (mitochondrial tRNA translation optimization 1; plus strand). Cytogenetic location: 6q13.
Variant type: single nucleotide variant.
Coding change: c.515G>A on transcript NM_012123.4 (MANE Select); coding-DNA position 515, G replaced by A.
Protein change: p.Arg172His; replaces arginine 172 with histidine.
Molecular consequence: missense variant.
Genome position (GRCh38, 1-based): chr6:73,466,586, G>A. VCF-style: chr6-73466586-G-A. GRCh37 (hg19) VCF-style: chr6-74176309-G-A.
Other names: c.515G>A, p.Arg172His (NM_001123226.2, NM_133645.3); c.515G>A (NM_001123226.1); short protein forms R172H.
Identifiers: ClinVar variation 2052553 (VCV002052553.2), dbSNP rs764270113, ClinGen allele CA3889365.

ClinVar aggregate classification (germline): Uncertain significance. Review status: criteria provided, multiple submitters, no conflicts (2 of 4 stars). 2 submissions from 2 submitters: Uncertain significance (2). Last evaluated 2023-09-20.

Conditions:
Inborn genetic diseases. Identifiers: MedGen C0950123, MeSH D030342.
Mitochondrial hypertrophic cardiomyopathy with lactic acidosis due to MTO1 deficiency. Also called: Combined oxidative phosphorylation deficiency 10; CARDIOMYOPATHY, INFANTILE HYPERTROPHIC MITOCHONDRIAL, AND LACTIC ACIDOSIS. Identifiers: Orphanet 314637, MedGen C4749921, MONDO:0013865, OMIM 614702.

Allele frequency attached by ClinVar (database versions not stated): gnomAD 0.00002; gnomAD exomes 0.00003; ExAC 0.00004; TOPMed 0.00005.
gnomAD v4.1: 45 of 1,613,872 alleles (0.0028%); highest among the groups gnomAD compares: Middle Eastern, 0.016%; no homozygotes.

Submissions (2):

Ambry Genetics
Classification: Uncertain significance for Inborn genetic diseases. Last evaluated: 2023-09-20. Review status: criteria provided, single submitter. Criteria: Ambry Variant Classification Scheme 2023. Collection method: clinical testing. Allele origin: germline.

Labcorp Genetics (formerly Invitae), Labcorp
Classification: Uncertain significance for Mitochondrial hypertrophic cardiomyopathy with lactic acidosis due to MTO1 deficiency. Last evaluated: 2022-07-29. Review status: criteria provided, single submitter. Criteria: Invitae Variant Classification Sherloc (09022015). Collection method: clinical testing. Allele origin: germline.
Comment: This sequence change replaces arginine, which is basic and polar, with histidine, which is basic and polar, at codon 172 of the MTO1 protein (p.Arg172His). This variant is present in population databases (rs764270113, gnomAD 0.01%). This variant has not been reported in the literature in individuals affected with MTO1-related conditions. Algorithms developed to predict the effect of missense changes on protein structure and function are either unavailable or do not agree on the potential impact of this missense change (SIFT: "Tolerated"; PolyPhen-2: "Probably Damaging"; Align-GVGD: "Class C0"). Algorithms developed to predict the effect of sequence changes on RNA splicing suggest that this variant may create or strengthen a splice site. In summary, the available evidence is currently insufficient to determine the role of this variant in disease. Therefore, it has been classified as a Variant of Uncertain Significance.